The following is an entry in ClinVar:

NM_006659.4(TUBGCP2):c.1024+10C>T

Genes: TUBGCP2 (tubulin gamma complex component 2; minus strand), LOC126861106 (P300/CBP strongly-dependent group 1 enhancer GRCh37_chr10:135106330-135107529; plus strand). Cytogenetic location: 10q26.3.
Variant type: single nucleotide variant.
Coding change: c.1024+10C>T on transcript NM_006659.4 (MANE Select); 10 bases into the intron after coding-DNA position 1024, C replaced by T.
Molecular consequence: intron variant.
Genome position (GRCh38, 1-based): chr10:133,293,029, G>A on the plus strand (C>T on the coding strand, the complement: TUBGCP2 is on the minus strand). VCF-style: chr10-133293029-G-A. GRCh37 (hg19) VCF-style: chr10-135106533-G-A.
Other names: c.634+10C>T (NM_001256618.2); c.1108+10C>T (NM_001256617.2).
Identifiers: ClinVar variation 3036988 (VCV003036988.2), dbSNP rs375061031, ClinGen allele CA5764299.

ClinVar aggregate classification (germline): Likely benign (0 of 4 stars; one submission).

Conditions:
TUBGCP2-related disorder. Also called: TUBGCP2-related condition.

Allele frequency attached by ClinVar (database versions not stated): gnomAD exomes 0.00011; ExAC 0.00015; ESP Exome Variant Server 0.00015; 1000 Genomes Project 30x 0.00016; gnomAD 0.00019; TOPMed 0.00019; 1000 Genomes Project 0.00020.
gnomAD v4.1: 191 of 1,611,666 alleles (0.012%); highest among the groups gnomAD compares: Middle Eastern, 0.059%; no homozygotes.

Submission:

PreventionGenetics, part of Exact Sciences
Classification: Likely benign for TUBGCP2-related condition. Last evaluated: 2021-09-15. Review status: no assertion criteria provided. Collection method: clinical testing. Allele origin: germline.
Comment: This variant is classified as likely benign based on ACMG/AMP sequence variant interpretation guidelines (Richards et al. 2015 PMID: 25741868, with internal and published modifications).